The following is an entry in ClinVar:

ClinVar aggregate classification (germline): Conflicting classifications of pathogenicity. Review status: criteria provided, conflicting classifications (1 of 4 stars). 2 submissions from 2 submitters: Likely pathogenic (1); Uncertain significance (1). Last evaluated 2022-06-15.

Submissions (2):

Labcorp Genetics (formerly Invitae), Labcorp
Classification: Uncertain significance. Last evaluated: 2022-06-15. Review status: criteria provided, single submitter. Criteria: Invitae Variant Classification Sherloc (09022015). Collection method: clinical testing. Allele origin: germline.
Comment: This sequence change replaces cysteine, which is neutral and slightly polar, with arginine, which is basic and polar, at codon 150 of the IKZF1 protein (p.Cys150Arg). ClinVar contains an entry for this variant (Variation ID: 987136). This missense change has been observed in individual(s) with clinical features of combined immunodeficiency (PMID: 31057532). This variant is not present in population databases (gnomAD no frequency). Algorithms developed to predict the effect of variants on protein structure and function are not available or were not evaluated for this variant. In summary, the available evidence is currently insufficient to determine the role of this variant in disease. Therefore, it has been classified as a Variant of Uncertain Significance. Experimental studies have shown that this missense change affects IKZF1 function (PMID: 31057532).

Institute of Medical Genetics and Applied Genomics, University Hospital Tübingen
Classification: Likely pathogenic. Last evaluated: 2020-10-23. Review status: criteria provided, single submitter. Criteria: ACMG Guidelines, 2015. Collection method: clinical testing. Allele origin: germline. Inheritance: Unknown mechanism. Affected: yes.

Literature cited by the submitters: PubMed 31057532 (cited by Labcorp Genetics (formerly Invitae), Labcorp).

NM_006060.6(IKZF1):c.448T>C (p.Cys150Arg)

Gene: IKZF1 (IKAROS family zinc finger 1; plus strand). Cytogenetic location: 7p12.2.
Variant type: single nucleotide variant.
Coding change: c.448T>C on transcript NM_006060.6 (MANE Select); coding-DNA position 448, T replaced by C.
Protein change: p.Cys150Arg; replaces cysteine 150 with arginine.
Molecular consequence: missense variant. On other transcripts: intron variant (6).
Genome position (GRCh38, 1-based): chr7:50,382,566, T>C. VCF-style: chr7-50382566-T-C. GRCh37 (hg19) VCF-style: chr7-50450264-T-C.
Other names: c.448T>C, p.Cys150Arg (NM_001220765.3, NM_001220768.2, NM_001291837.2); c.187T>C, p.Cys63Arg (NM_001220767.2, NM_001220770.2, NM_001291838.2 and 1 more transcripts); c.421+5773T>C (NM_001220771.2); c.161-4779T>C (NM_001291841.1, NM_001291842.1); c.161-9163T>C (NM_001291843.1, NM_001291844.1); c.161-17352T>C (NM_001291840.1); short protein forms C150R, C63R.
Identifiers: ClinVar variation 987136 (VCV000987136.8), dbSNP rs1812147849, ClinGen allele CA367530683.